The following is an entry in ClinVar:

ClinVar aggregate classification (germline): Uncertain significance (1 of 4 stars; one submission).

Submission:

Ambry Genetics
Classification: Uncertain significance. Last evaluated: 2026-07-11. Review status: criteria provided, single submitter. Criteria: Ambry Variant Classification Scheme 2023. Collection method: clinical testing. Allele origin: germline.
Comment: The p.C296S variant (also known as c.887G>C), located in coding exon 1 of the TET2 gene, results from a G to C substitution at nucleotide position 887. The cysteine at codon 296 is replaced by serine, an amino acid with dissimilar properties. This amino acid position is conserved. In addition, this alteration is predicted to be tolerated by in silico analysis. Based on the available evidence, the clinical significance of this variant remains unclear.

NM_001127208.3(TET2):c.887G>C (p.Cys296Ser)

Genes: TET2 (tet methylcytosine dioxygenase 2; plus strand), TET2-AS1 (TET2 antisense RNA 1; minus strand). Cytogenetic location: 4q24.
Variant type: single nucleotide variant.
Coding change: c.887G>C on transcript NM_001127208.3 (MANE Select); coding-DNA position 887, G replaced by C.
Protein change: p.Cys296Ser; replaces cysteine 296 with serine.
Molecular consequence: missense variant.
Genome position (GRCh38, 1-based): chr4:105,234,829, G>C. VCF-style: chr4-105234829-G-C. GRCh37 (hg19) VCF-style: chr4-106155986-G-C.
Other names: c.887G>C, p.Cys296Ser (NM_017628.4); short protein forms C296S.
Identifiers: ClinVar variation 5030704 (VCV005030704.1).
Genomic context (GRCh38, chr4:105,234,829, plus strand): 5'-CCGCACAGACCTCTAACTCTGAGCTGCCTCCAAAGCCAGCTGCAGTGGTGAGTGAGGCCT[G>C]TGATGCTGATGATGCTGATAATGCCAGTAAACTAGCTGCAATGCTAAATACCTGTTCCTT-3'
Protein context (NP_001120680.1, residues 286-306): PKPAAVVSEA[Cys296Ser]DADDADNASK